The following is an entry in ClinVar:

NM_001099274.3(TINF2):c.766C>T (p.Arg256Ter)

Gene: TINF2 (TERF1 interacting nuclear factor 2; minus strand). Cytogenetic location: 14q12.
Variant type: single nucleotide variant.
Coding change: c.766C>T on transcript NM_001099274.3 (MANE Select); coding-DNA position 766, C replaced by T.
Protein change: p.Arg256Ter; replaces arginine 256 with a stop codon.
Molecular consequence: nonsense.
Genome position (GRCh38, 1-based): chr14:24,240,714, G>A on the plus strand (C>T on the coding strand, the complement: TINF2 is on the minus strand). VCF-style: chr14-24240714-G-A. GRCh37 (hg19) VCF-style: chr14-24709920-G-A.
Other names: c.661C>T, p.Arg221Ter (NM_001363668.2); c.766C>T, p.Arg256Ter (NM_012461.3); short protein forms R221*, R256*.
Identifiers: ClinVar variation 2742636 (VCV002742636.3), dbSNP rs2040557117, ClinGen allele CA389226554.

ClinVar aggregate classification (germline): Uncertain significance (1 of 4 stars; one submission).

Conditions:
Dyskeratosis congenita. Identifiers: Orphanet 1775, MedGen C0265965, MONDO:0015780.

Allele frequency attached by ClinVar (database versions not stated): gnomAD exomes below 0.00001; TOPMed below 0.00001; gnomAD 0.00001.

Submission:

Labcorp Genetics (formerly Invitae), Labcorp
Classification: Uncertain significance for Dyskeratosis congenita. Last evaluated: 2023-04-11. Review status: criteria provided, single submitter. Criteria: Invitae Variant Classification Sherloc (09022015). Collection method: clinical testing. Allele origin: germline.
Comment: This sequence change creates a premature translational stop signal (p.Arg256*) in the TINF2 gene. It is expected to result in an absent or disrupted protein product. However, the current clinical and genetic evidence is not sufficient to establish whether loss-of-function variants in TINF2 cause disease. In summary, the available evidence is currently insufficient to determine the role of this variant in disease. Therefore, it has been classified as a Variant of Uncertain Significance. This variant has not been reported in the literature in individuals affected with TINF2-related conditions. This variant is not present in population databases (gnomAD no frequency).